The following is an entry in ClinVar:

ClinVar aggregate classification (germline): Uncertain significance (1 of 4 stars; one submission).

Allele frequency attached by ClinVar (database versions not stated): gnomAD 0.00001; gnomAD exomes 0.00001; ExAC 0.00002; TOPMed 0.00002; ESP Exome Variant Server 0.00008.
gnomAD v4.1: 6 of 1,614,060 alleles (0.00037%); highest among the groups gnomAD compares: Non-Finnish European, 0.00051%; no homozygotes.

Submission:

ARUP Laboratories, Molecular Genetics and Genomics, ARUP Laboratories
Classification: Uncertain significance. Last evaluated: 2023-11-14. Review status: criteria provided, single submitter. Criteria: ARUP Molecular Germline Variant Investigation Process 2024. Collection method: clinical testing. Allele origin: germline.
Comment: Due to limited information, including a lack of clinical and/or functional data and an uninformative population frequency, the clinical significance of this variant is uncertain at this time.

NM_002778.4(PSAP):c.707G>T (p.Gly236Val)

Gene: PSAP (prosaposin; minus strand). Cytogenetic location: 10q22.1.
Variant type: single nucleotide variant.
Coding change: c.707G>T on transcript NM_002778.4 (MANE Select); coding-DNA position 707, G replaced by T.
Protein change: p.Gly236Val; replaces glycine 236 with valine.
Molecular consequence: missense variant.
Genome position (GRCh38, 1-based): chr10:71,828,027, C>A on the plus strand (G>T on the coding strand, the complement: PSAP is on the minus strand). VCF-style: chr10-71828027-C-A. GRCh37 (hg19) VCF-style: chr10-73587784-C-A.
Other names: c.707G>T, p.Gly236Val (NM_001042465.3, NM_001042466.3); short protein forms G236V.
Identifiers: ClinVar variation 2921160 (VCV002921160.1), dbSNP rs368688060, ClinGen allele CA5547690.